The following is an entry in ClinVar:

ClinVar aggregate classification (germline): Uncertain significance (1 of 4 stars; one submission).

Conditions:
Spastic paraplegia. Identifiers: MedGen C0037772, HP:0001258.

Submission:

Labcorp Genetics (formerly Invitae), Labcorp
Classification: Uncertain significance for Spastic paraplegia. Last evaluated: 2023-03-31. Review status: criteria provided, single submitter. Criteria: Invitae Variant Classification Sherloc (09022015). Collection method: clinical testing. Allele origin: germline.
Comment: In summary, the available evidence is currently insufficient to determine the role of this variant in disease. Therefore, it has been classified as a Variant of Uncertain Significance. Advanced modeling of protein sequence and biophysical properties (such as structural, functional, and spatial information, amino acid conservation, physicochemical variation, residue mobility, and thermodynamic stability) has been performed at Invitae for this missense variant, however the output from this modeling did not meet the statistical confidence thresholds required to predict the impact of this variant on KIF5A protein function. This variant has not been reported in the literature in individuals affected with KIF5A-related conditions. This variant is not present in population databases (gnomAD no frequency). This sequence change replaces cysteine, which is neutral and slightly polar, with tyrosine, which is neutral and polar, at codon 14 of the KIF5A protein (p.Cys14Tyr).

NM_004984.4(KIF5A):c.41G>A (p.Cys14Tyr)

Gene: KIF5A (kinesin family member 5A; plus strand). Cytogenetic location: 12q13.3.
Variant type: single nucleotide variant.
Coding change: c.41G>A on transcript NM_004984.4 (MANE Select); coding-DNA position 41, G replaced by A.
Protein change: p.Cys14Tyr; replaces cysteine 14 with tyrosine.
Molecular consequence: missense variant.
Genome position (GRCh38, 1-based): chr12:57,550,312, G>A. VCF-style: chr12-57550312-G-A. GRCh37 (hg19) VCF-style: chr12-57944095-G-A.
Other names: c.41G>A, p.Cys14Tyr (NM_001354705.2); short protein forms C14Y.
Identifiers: ClinVar variation 2851170 (VCV002851170.3), dbSNP rs2140150117, ClinGen allele CA385495809.
Genomic context (GRCh38, chr12:57,550,312, plus strand): 5'-GCCCCACGCCGGCTACCACCATGGCGGAGACCAACAACGAATGTAGCATCAAGGTGCTCT[G>A]CCGATTCCGGCCCCTGAACCAGGCTGAGATTCTGCGGGGAGACAAGTTCATCCCCATTTT-3'
Protein context (NP_004975.2, residues 4-24): TNNECSIKVL[Cys14Tyr]RFRPLNQAEI